The following is an entry in ClinVar:

NM_002067.5(GNA11):c.220G>A (p.Gly74Ser)

Gene: GNA11 (G protein subunit alpha 11; plus strand). Cytogenetic location: 19p13.3.
Variant type: single nucleotide variant.
Coding change: c.220G>A on transcript NM_002067.5 (MANE Select); coding-DNA position 220, G replaced by A.
Protein change: p.Gly74Ser; replaces glycine 74 with serine.
Molecular consequence: missense variant.
Genome position (GRCh38, 1-based): chr19:3,110,232, G>A. VCF-style: chr19-3110232-G-A. GRCh37 (hg19) VCF-style: chr19-3110230-G-A.
Other names: c.220G>A (NM_002067.4); short protein forms G74S.
Identifiers: ClinVar variation 3711205 (VCV003711205.2).

ClinVar aggregate classification (germline): Uncertain significance. Review status: criteria provided, multiple submitters, no conflicts (2 of 4 stars). 2 submissions from 2 submitters: Uncertain significance (2). Last evaluated 2024-11-26.

Conditions:
GNA11-related disorder. Also called: GNA11-related condition.

gnomAD v4.1: 25 of 1,613,808 alleles (0.0015%); highest among the groups gnomAD compares: East Asian, 0.0045%; no homozygotes.

Submissions (2):

PreventionGenetics, part of Exact Sciences
Classification: Uncertain significance for GNA11-related condition. Last evaluated: 2024-11-26. Review status: criteria provided, single submitter. Criteria: ACMG Guidelines, 2015. Collection method: clinical testing. Allele origin: germline.
Comment: The GNA11 c.220G>A variant is predicted to result in the amino acid substitution p.Gly74Ser. This variant was reported in the heterozygous state as a variant of uncertain significance in an individual with hyperparathyroidism (Park et al. 2022. PubMed ID: 35586626). This variant is reported in 0.0050% of alleles in individuals of East Asian descent in gnomAD. At this time, the clinical significance of this variant is uncertain due to the absence of conclusive functional and genetic evidence.

Labcorp Genetics (formerly Invitae), Labcorp
Classification: Uncertain significance. Last evaluated: 2024-02-27. Review status: criteria provided, single submitter. Criteria: Invitae Variant Classification Sherloc (09022015). Collection method: clinical testing. Allele origin: germline.
Comment: This sequence change replaces glycine, which is neutral and non-polar, with serine, which is neutral and polar, at codon 74 of the GNA11 protein (p.Gly74Ser). This variant is present in population databases (rs777092144, gnomAD 0.005%). This missense change has been observed in individual(s) with hyperparathyroidism (PMID: 35586626). Advanced modeling of protein sequence and biophysical properties (such as structural, functional, and spatial information, amino acid conservation, physicochemical variation, residue mobility, and thermodynamic stability) performed at Invitae indicates that this missense variant is not expected to disrupt GNA11 protein function with a negative predictive value of 80%. In summary, the available evidence is currently insufficient to determine the role of this variant in disease. Therefore, it has been classified as a Variant of Uncertain Significance.

Literature cited by the submitters: PubMed 35586626 (cited by Labcorp Genetics (formerly Invitae), Labcorp).